The following is an entry in ClinVar:

NM_000092.5(COL4A4):c.71G>A (p.Trp24Ter)

Gene: COL4A4 (collagen type IV alpha 4 chain; minus strand). Cytogenetic location: 2q36.3.
Variant type: single nucleotide variant.
Coding change: c.71G>A on transcript NM_000092.5 (MANE Select); coding-DNA position 71, G replaced by A.
Protein change: p.Trp24Ter; replaces tryptophan 24 with a stop codon.
Molecular consequence: nonsense.
Genome position (GRCh38, 1-based): chr2:227,147,413, C>T on the plus strand (G>A on the coding strand, the complement: COL4A4 is on the minus strand). VCF-style: chr2-227147413-C-T. GRCh37 (hg19) VCF-style: chr2-228012129-C-T.
Other names: short protein forms W24*.
Identifiers: ClinVar variation 554793 (VCV000554793.5), dbSNP rs1201925443, ClinGen allele CA350842746.

ClinVar aggregate classification (germline): Pathogenic. Review status: criteria provided, single submitter (1 of 4 stars). 2 submissions from 2 submitters: Pathogenic (1). 1 of the submissions does not count toward it. Last evaluated 2023-01-09.

Conditions:
Autosomal recessive Alport syndrome (ATS2). Also called: ALPORT SYNDROME 2, AUTOSOMAL RECESSIVE; Alport syndrome type 2; COL4A3-Related Nephropathy; COL4A4 Alport Syndrome and Thin Basement Membrane Nephropathy. Identifiers: Orphanet 63, Orphanet 88919, MedGen C4746745, MONDO:0008762, OMIM 203780.

Allele frequency attached by ClinVar (database versions not stated): gnomAD exomes below 0.00001.
gnomAD v4.1: 2 of 1,613,416 alleles (0.00012%); highest among the groups gnomAD compares: South Asian, 0.0022%; no homozygotes.

Submissions (2):

Labcorp Genetics (formerly Invitae), Labcorp
Classification: Pathogenic. Last evaluated: 2023-01-09. Review status: criteria provided, single submitter. Criteria: Invitae Variant Classification Sherloc (09022015). Collection method: clinical testing. Allele origin: germline.
Comment: This variant is not present in population databases (gnomAD no frequency). For these reasons, this variant has been classified as Pathogenic. ClinVar contains an entry for this variant (Variation ID: 554793). This variant has not been reported in the literature in individuals affected with COL4A4-related conditions. This sequence change creates a premature translational stop signal (p.Trp24*) in the COL4A4 gene. It is expected to result in an absent or disrupted protein product. Loss-of-function variants in COL4A4 are known to be pathogenic (PMID: 21196518, 24854265, 25307543).

Counsyl
Classification: Likely pathogenic for Autosomal recessive Alport syndrome. Last evaluated: 2017-11-06. Review status: no assertion criteria provided. Collection method: clinical testing. Allele origin: unknown. Not counted in ClinVar's aggregate classification.

Literature cited by the submitters: PubMed 21196518 (cited by Labcorp Genetics (formerly Invitae), Labcorp); PubMed 24854265 (cited by Labcorp Genetics (formerly Invitae), Labcorp); PubMed 25307543 (cited by Labcorp Genetics (formerly Invitae), Labcorp).